The following is an entry in ClinVar:

ClinVar aggregate classification (germline): Uncertain significance (1 of 4 stars; one submission).

Submission:

Ambry Genetics
Classification: Uncertain significance. Last evaluated: 2025-02-06. Review status: criteria provided, single submitter. Criteria: Ambry Variant Classification Scheme 2023. Collection method: clinical testing. Allele origin: germline.
Comment: The c.313G>C (p.V105L) alteration is located in exon (coding exon ) of the SH3RF3 gene. This alteration results from a G to C substitution at nucleotide position 313, causing the valine (V) at amino acid position 105 to be replaced by a leucine (L). Based on insufficient or conflicting evidence, the clinical significance of this alteration remains unclear.

NM_001099289.3(SH3RF3):c.313G>C (p.Val105Leu)

Genes: RANBP2 (RAN binding protein 2; plus strand), SH3RF3 (SH3 domain containing ring finger 3; plus strand), SH3RF3-AS1 (SH3RF3 antisense RNA 1; minus strand). Cytogenetic location: 2q13.
Variant type: single nucleotide variant.
Coding change: c.313G>C on transcript NM_001099289.3 (MANE Select); coding-DNA position 313, G replaced by C.
Protein change: p.Val105Leu; replaces valine 105 with leucine.
Molecular consequence: missense variant. On other transcripts: non-coding transcript variant (1).
Genome position (GRCh38, 1-based): chr2:109,129,853, G>C. VCF-style: chr2-109129853-G-C. GRCh37 (hg19) VCF-style: chr2-109746309-G-C.
Other names: short protein forms V105L.
Identifiers: ClinVar variation 3795448 (VCV003795448.1).